The following is an entry in ClinVar:

ClinVar aggregate classification (germline): Conflicting classifications of pathogenicity. Review status: criteria provided, conflicting classifications (1 of 4 stars). 3 submissions from 3 submitters: Uncertain significance (1); Likely benign (2). Last evaluated 2024-11-22.

Conditions:
Inborn genetic diseases. Identifiers: MedGen C0950123, MeSH D030342.
Fanconi anemia (FA). Also called: Fanconi's anemia. Identifiers: Orphanet 84, MedGen C0015625, MeSH D005199, MONDO:0019391.

Allele frequency attached by ClinVar (database versions not stated): gnomAD exomes below 0.00001 and 0.00001; TOPMed below 0.00001; gnomAD 0.00001; ExAC 0.00002; ESP Exome Variant Server 0.00008.
gnomAD v4.1: 8 of 1,613,782 alleles (0.0005%); highest among the groups gnomAD compares: Non-Finnish European, 0.00059%; no homozygotes.

Submissions (3):

Ambry Genetics
Classification: Likely benign for Inborn genetic diseases. Last evaluated: 2024-11-22. Review status: criteria provided, single submitter. Criteria: Ambry Variant Classification Scheme 2023. Collection method: clinical testing. Allele origin: germline.

Labcorp Genetics (formerly Invitae), Labcorp
Classification: Likely benign for Fanconi anemia. Last evaluated: 2024-04-22. Review status: criteria provided, single submitter. Criteria: Invitae Variant Classification Sherloc (09022015). Collection method: clinical testing. Allele origin: germline.

GeneDx
Classification: Uncertain significance. Last evaluated: 2023-04-02. Review status: criteria provided, single submitter. Criteria: GeneDx Variant Classification Process June 2021. Collection method: clinical testing. Allele origin: germline. Affected: yes.
Comment: Not observed at significant frequency in large population cohorts (gnomAD); In silico analysis supports that this variant does not alter splicing; Has not been previously published as pathogenic or benign to our knowledge

NM_020937.4(FANCM):c.2988T>C (p.Tyr996=)

Gene: FANCM (FA complementation group M; plus strand). Cytogenetic location: 14q21.2.
Variant type: single nucleotide variant.
Coding change: c.2988T>C on transcript NM_020937.4 (MANE Select); coding-DNA position 2988, T replaced by C.
Protein change: p.Tyr996=; no amino-acid change (tyrosine 996 retained).
Molecular consequence: synonymous variant.
Genome position (GRCh38, 1-based): chr14:45,175,742, T>C. VCF-style: chr14-45175742-T-C. GRCh37 (hg19) VCF-style: chr14-45644945-T-C.
Other names: c.2910T>C, p.Tyr970= (NM_001308133.2).
Identifiers: ClinVar variation 749120 (VCV000749120.12), dbSNP rs373971974, ClinGen allele CA7169440.
Genomic context (GRCh38, chr14:45,175,742, plus strand): 5'-TTATAATTGTCACTCATTGACAAAAGAGGTACTAGCTAATGTAGAGAGATTTTTATCTTA[T>C]TCTCCTCCGCCTCTCAGTGGACTCTCAGACTTGGAATATGAAATTGCTAAGGGTACTGCA-3'
Protein context (NP_065988.1, residues 986-1006): VLANVERFLS[Tyr996=]SPPPLSGLSD